The following is an entry in ClinVar:

ClinVar aggregate classification (germline): Uncertain significance (1 of 4 stars; one submission).

Conditions:
Arrhythmogenic right ventricular dysplasia 12. Also called: ARRHYTHMOGENIC RIGHT VENTRICULAR DYSPLASIA, FAMILIAL, 12. Identifiers: MedGen C1969081, MONDO:0012684, OMIM 611528.
Naxos disease (NXD). Also called: PALMOPLANTAR KERATODERMA WITH ARRHYTHMOGENIC RIGHT VENTRICULAR CARDIOMYOPATHY AND WOOLLY HAIR; WOOLLY HAIR, PALMOPLANTAR KERATODERMA, AND CARDIAC ABNORMALITIES; KERATOSIS PALMOPLANTARIS WITH ARRHYTHMOGENIC CARDIOMYOPATHY; MAL DE NAXOS; CARDIOMYOPATHY, ARRHYTHMOGENIC RIGHT VENTRICULAR, WITH SKIN, HAIR, AND NAIL ABNORMALITIES. Identifiers: Orphanet 34217, MedGen C1832600, MONDO:0011017, OMIM 601214.

Allele frequency attached by ClinVar (database versions not stated): TOPMed 0.00001.

Submission:

Labcorp Genetics (formerly Invitae), Labcorp
Classification: Uncertain significance for Arrhythmogenic right ventricular dysplasia 12; Naxos disease. Last evaluated: 2023-12-06. Review status: criteria provided, single submitter. Criteria: Invitae Variant Classification Sherloc (09022015). Collection method: clinical testing. Allele origin: germline.
Comment: This sequence change replaces leucine, which is neutral and non-polar, with valine, which is neutral and non-polar, at codon 438 of the JUP protein (p.Leu438Val). This variant is not present in population databases (gnomAD no frequency). This variant has not been reported in the literature in individuals affected with JUP-related conditions. ClinVar contains an entry for this variant (Variation ID: 2072550). An algorithm developed to predict the effect of missense changes on protein structure and function (PolyPhen-2) suggests that this variant is likely to be disruptive. In summary, the available evidence is currently insufficient to determine the role of this variant in disease. Therefore, it has been classified as a Variant of Uncertain Significance.

NM_002230.4(JUP):c.1312C>G (p.Leu438Val)

Gene: JUP (junction plakoglobin; minus strand). Cytogenetic location: 17q21.2.
Variant type: single nucleotide variant.
Coding change: c.1312C>G on transcript NM_002230.4 (MANE Select); coding-DNA position 1312, C replaced by G.
Protein change: p.Leu438Val; replaces leucine 438 with valine.
Molecular consequence: missense variant.
Genome position (GRCh38, 1-based): chr17:41,763,168, G>C on the plus strand (C>G on the coding strand, the complement: JUP is on the minus strand). VCF-style: chr17-41763168-G-C. GRCh37 (hg19) VCF-style: chr17-39919420-G-C.
Other names: c.1312C>G, p.Leu438Val (NM_001352773.2, NM_001352774.2, NM_001352775.2 and 3 more transcripts); short protein forms L438V.
Identifiers: ClinVar variation 2072550 (VCV002072550.2), dbSNP rs1343968774, ClinGen allele CA399497218.